The following is an entry in ClinVar:

NM_001458.5(FLNC):c.3649A>T (p.Ser1217Cys)

Gene: FLNC (filamin C; plus strand). Cytogenetic location: 7q32.1.
Variant type: single nucleotide variant.
Coding change: c.3649A>T on transcript NM_001458.5 (MANE Select); coding-DNA position 3649, A replaced by T.
Protein change: p.Ser1217Cys; replaces serine 1217 with cysteine.
Molecular consequence: missense variant.
Genome position (GRCh38, 1-based): chr7:128,845,114, A>T. VCF-style: chr7-128845114-A-T. GRCh37 (hg19) VCF-style: chr7-128485168-A-T.
Other names: c.3649A>T, p.Ser1217Cys (NM_001127487.2); short protein forms S1217C.
Identifiers: ClinVar variation 472045 (VCV000472045.14), dbSNP rs759597112, ClinGen allele CA4475092.

ClinVar aggregate classification (germline): Conflicting classifications of pathogenicity. Review status: criteria provided, conflicting classifications (1 of 4 stars). 5 submissions from 5 submitters: Uncertain significance (3); Likely benign (2). Last evaluated 2026-01-27.

Conditions:
Cardiovascular phenotype. Identifiers: MedGen CN230736.
Myofibrillar myopathy 5. Also called: FILAMINOPATHY, AUTOSOMAL DOMINANT; Filaminopathy (type). Identifiers: Orphanet 171445, MedGen C1836050, MONDO:0012289, OMIM 609524.
Distal myopathy with posterior leg and anterior hand involvement. Also called: WILLIAMS DISTAL MYOPATHY. Identifiers: Orphanet 63273, MedGen C3279722, MONDO:0013550, OMIM 614065.
Hypertrophic cardiomyopathy 26. Also called: Cardiomyopathy, familial hypertrophic, 26. Identifiers: Orphanet 75249, MedGen C4310749, MONDO:0014883, OMIM 617047.

Allele frequency attached by ClinVar (database versions not stated): gnomAD 0.00002 and 0.00003; gnomAD exomes 0.00002 and 0.00004; ExAC 0.00003; TOPMed 0.00006.
gnomAD v4.1: 45 of 1,613,598 alleles (0.0028%); highest among the groups gnomAD compares: Admixed American, 0.0083%; no homozygotes.

Submissions (5):

Labcorp Genetics (formerly Invitae), Labcorp
Classification: Likely benign for Distal myopathy with posterior leg and anterior hand involvement; Myofibrillar myopathy 5; Hypertrophic cardiomyopathy 26. Last evaluated: 2026-01-27. Review status: criteria provided, single submitter. Criteria: Invitae Variant Classification Sherloc (09022015). Collection method: clinical testing. Allele origin: germline.

Molecular Diagnostic Laboratory for Inherited Cardiovascular Disease, Montreal Heart Institute
Classification: Uncertain significance for Cardiovascular phenotype. Last evaluated: 2025-04-09. Review status: criteria provided, single submitter. Criteria: ACMG Guidelines, 2015. Collection method: clinical testing. Allele origin: germline. Affected: yes.

Blueprint Genetics
Classification: Likely benign. Last evaluated: 2024-08-08. Review status: criteria provided, single submitter. Criteria: ACMG Guidelines, 2015. Collection method: clinical testing. Allele origin: germline.

Ambry Genetics
Classification: Uncertain significance for Cardiovascular phenotype. Last evaluated: 2024-05-17. Review status: criteria provided, single submitter. Criteria: Ambry Variant Classification Scheme 2023. Collection method: clinical testing. Allele origin: germline.
Comment: The p.S1217C variant (also known as c.3649A>T), located in coding exon 21 of the FLNC gene, results from an A to T substitution at nucleotide position 3649. The serine at codon 1217 is replaced by cysteine, an amino acid with dissimilar properties. This alteration has been reported in a neuromuscular disease cohort (Westra D et al. J Neuromuscul Dis, 2019;6:241-258). This amino acid position is not well conserved in available vertebrate species. In addition, the in silico prediction for this alteration is inconclusive. Based on the available evidence, the clinical significance of this variant remains unclear.

Revvity Omics, Revvity
Classification: Uncertain significance. Last evaluated: 2019-08-21. Review status: criteria provided, single submitter. Criteria: ACMG Guidelines, 2015. Collection method: clinical testing. Allele origin: germline.

Literature cited by the submitters: PubMed 31127727 (cited by Ambry Genetics).